The following is an entry in ClinVar:

NM_015057.5(MYCBP2):c.1718A>G (p.Glu573Gly)

Gene: MYCBP2 (MYC binding protein 2; minus strand). Cytogenetic location: 13q22.3.
Variant type: single nucleotide variant.
Coding change: c.1718A>G on transcript NM_015057.5 (MANE Select); coding-DNA position 1718, A replaced by G.
Protein change: p.Glu573Gly; replaces glutamic acid 573 with glycine.
Molecular consequence: missense variant.
Genome position (GRCh38, 1-based): chr13:77,261,305, T>C on the plus strand (A>G on the coding strand, the complement: MYCBP2 is on the minus strand). VCF-style: chr13-77261305-T-C. GRCh37 (hg19) VCF-style: chr13-77835440-T-C.
Other names: short protein forms E573G.
Identifiers: ClinVar variation 5025038 (VCV005025038.1).
Genomic context (GRCh38, chr13:77,261,305, plus strand): 5'-TGAGAGCCATCGTGTCCAACTGAGAAGTGTACTATCTTTGGAGATTTTGTAATTGGTAGC[T>C]CAACCCATTTTCCTGCTGAAGGACCACCTTGTTTGATTCCAAGACTCTGGTATTTGCCAG-3'
Protein context (NP_055872.4, residues 563-583): QGGPSAGKWV[Glu573Gly]LPITKSPKIV

ClinVar aggregate classification (germline): Uncertain significance (1 of 4 stars; one submission).

Conditions:
Inborn genetic diseases. Identifiers: MedGen C0950123, MeSH D030342.

gnomAD v4.1: 1 of 1,613,248 alleles (0.000062%); highest among the groups gnomAD compares: Admixed American, 0.0017%; no homozygotes.

Submission:

Ambry Genetics
Classification: Uncertain significance for Inborn genetic diseases. Last evaluated: 2026-08-04. Review status: criteria provided, single submitter. Criteria: Ambry Variant Classification Scheme 2023. Collection method: clinical testing. Allele origin: germline.
Comment: The c.1718A>G (p.E573G) alteration is located in exon 12 (coding exon 12) of the MYCBP2 gene. This alteration results from a A to G substitution at nucleotide position 1718, causing the glutamic acid (E) at amino acid position 573 to be replaced by a glycine (G). Based on data from gnomAD, the G allele has an overall frequency of <0.001% (1/251292) total alleles studied. The highest observed frequency was 0.003% (1/34548) of Latino alleles. Based on insufficient or conflicting evidence, the clinical significance of this alteration remains unclear.